The following is an entry in ClinVar:

ClinVar aggregate classification (germline): Uncertain significance. Review status: criteria provided, multiple submitters, no conflicts (2 of 4 stars). 3 submissions from 3 submitters: Uncertain significance (3). Last evaluated 2025-02-12.

Conditions:
Brody myopathy. Also called: BRODY DISEASE. Identifiers: Orphanet 53347, MedGen C1832918, MONDO:0010977, OMIM 601003.

Allele frequency attached by ClinVar (database versions not stated): ExAC 0.00001; gnomAD 0.00001; gnomAD exomes 0.00001; TOPMed 0.00001.
gnomAD v4.1: 19 of 1,614,042 alleles (0.0012%); highest among the groups gnomAD compares: Middle Eastern, 0.016%; no homozygotes.

Submissions (3):

GeneDx
Classification: Uncertain significance. Last evaluated: 2025-02-12. Review status: criteria provided, single submitter. Criteria: GeneDx Variant Classification Process June 2021. Collection method: clinical testing. Allele origin: germline. Affected: yes.
Comment: Not observed at significant frequency in large population cohorts (gnomAD); In silico analysis supports that this missense variant has a deleterious effect on protein structure/function; Has not been previously published as pathogenic or benign to our knowledge

Labcorp Genetics (formerly Invitae), Labcorp
Classification: Uncertain significance for Brody myopathy. Last evaluated: 2024-03-16. Review status: criteria provided, single submitter. Criteria: Invitae Variant Classification Sherloc (09022015). Collection method: clinical testing. Allele origin: germline.
Comment: This sequence change replaces serine, which is neutral and polar, with leucine, which is neutral and non-polar, at codon 682 of the ATP2A1 protein (p.Ser682Leu). This variant is present in population databases (rs760340608, gnomAD 0.006%). This variant has not been reported in the literature in individuals affected with ATP2A1-related conditions. ClinVar contains an entry for this variant (Variation ID: 1007355). An algorithm developed to predict the effect of missense changes on protein structure and function (PolyPhen-2) suggests that this variant¬†is likely to be tolerated. In summary, the available evidence is currently insufficient to determine the role of this variant in disease. Therefore, it has been classified as a Variant of Uncertain Significance.

Clinical Genetics Laboratory, Skane University Hospital Lund
Classification: Uncertain significance. Last evaluated: 2023-02-20. Review status: criteria provided, single submitter. Criteria: ACMG Guidelines, 2015. Collection method: clinical testing. Allele origin: germline. Affected: yes.

NM_004320.6(ATP2A1):c.2045C>T (p.Ser682Leu)

Gene: ATP2A1 (ATPase sarcoplasmic/endoplasmic reticulum Ca2+ transporting 1; plus strand). Cytogenetic location: 16p11.2.
Variant type: single nucleotide variant.
Coding change: c.2045C>T on transcript NM_004320.6 (MANE Select); coding-DNA position 2045, C replaced by T.
Protein change: p.Ser682Leu; replaces serine 682 with leucine.
Molecular consequence: missense variant.
Genome position (GRCh38, 1-based): chr16:28,900,861, C>T. VCF-style: chr16-28900861-C-T. GRCh37 (hg19) VCF-style: chr16-28912182-C-T.
Other names: c.2045C>T (NM_173201.3); c.1670C>T, p.Ser557Leu (NM_001286075.2); c.2045C>T, p.Ser682Leu (NM_173201.5); short protein forms S557L, S682L.
Identifiers: ClinVar variation 1007355 (VCV001007355.10), dbSNP rs760340608, ClinGen allele CA7987155.